The following is an entry in ClinVar:

NM_181882.3(PRX):c.3494C>T (p.Thr1165Ile)

Gene: PRX (periaxin; minus strand). Cytogenetic location: 19q13.2.
Variant type: single nucleotide variant.
Coding change: c.3494C>T on transcript NM_181882.3 (MANE Select); coding-DNA position 3494, C replaced by T.
Protein change: p.Thr1165Ile; replaces threonine 1165 with isoleucine.
Molecular consequence: missense variant. On other transcripts: 3 prime UTR variant (1).
Genome position (GRCh38, 1-based): chr19:40,394,858, G>A on the plus strand (C>T on the coding strand, the complement: PRX is on the minus strand). VCF-style: chr19-40394858-G-A. GRCh37 (hg19) VCF-style: chr19-40900765-G-A.
Other names: c.*3699C>T (NM_020956.2); short protein forms T1165I.
Identifiers: ClinVar variation 934527 (VCV000934527.9), dbSNP rs2079415753, ClinGen allele CA405893457.

ClinVar aggregate classification (germline): Uncertain significance (1 of 4 stars; one submission).

Conditions:
Charcot-Marie-Tooth disease type 4. Also called: Charcot-Marie-Tooth, Type 4; Charcot-Marie-Tooth disease, type IV. Identifiers: Orphanet 64749, MedGen C4082197, MONDO:0018995.

Allele frequency attached by ClinVar (database versions not stated): gnomAD exomes below 0.00001.
gnomAD v4.1: 1 of 1,612,232 alleles (0.000062%); highest among the groups gnomAD compares: Non-Finnish European, 0.000085%; no homozygotes.

Submission:

Labcorp Genetics (formerly Invitae), Labcorp
Classification: Uncertain significance for Charcot-Marie-Tooth disease type 4. Last evaluated: 2020-02-12. Review status: criteria provided, single submitter. Criteria: Invitae Variant Classification Sherloc (09022015). Collection method: clinical testing. Allele origin: germline.
Comment: This sequence change replaces threonine with isoleucine at codon 1165 of the PRX protein (p.Thr1165Ile). The threonine residue is moderately conserved and there is a moderate physicochemical difference between threonine and isoleucine. This variant is not present in population databases (ExAC no frequency). This variant has not been reported in the literature in individuals with PRX-related conditions. Algorithms developed to predict the effect of missense changes on protein structure and function are either unavailable or do not agree on the potential impact of this missense change (SIFT: "Tolerated"; PolyPhen-2: "Possibly Damaging"; Align-GVGD: "Class C0"). In summary, the available evidence is currently insufficient to determine the role of this variant in disease. Therefore, it has been classified as a Variant of Uncertain Significance.